The following is an entry in ClinVar:

NM_032043.3(BRIP1):c.852C>T (p.Val284=)

Gene: BRIP1 (BRCA1 interacting DNA helicase 1; minus strand). Cytogenetic location: 17q23.2.
Variant type: single nucleotide variant.
Coding change: c.852C>T on transcript NM_032043.3 (MANE Select); coding-DNA position 852, C replaced by T.
Protein change: p.Val284=; no amino-acid change (valine 284 retained).
Molecular consequence: synonymous variant.
Genome position (GRCh38, 1-based): chr17:61,808,533, G>A on the plus strand (C>T on the coding strand, the complement: BRIP1 is on the minus strand). VCF-style: chr17-61808533-G-A. GRCh37 (hg19) VCF-style: chr17-59885894-G-A.
Other names: p.V284V:GTC>GTT.
Identifiers: ClinVar variation 182359 (VCV000182359.35), dbSNP rs144940449, ClinGen allele CA298905.

ClinVar aggregate classification (germline): Benign/Likely benign. Review status: criteria provided, multiple submitters, no conflicts (2 of 4 stars). 15 submissions from 14 submitters: Benign (3); Likely benign (9). 3 of the submissions do not count toward it. Last evaluated 2026-01-25.

Conditions:
BRIP1-related disorder. Also called: BRIP1-related condition; BRIP1-related disorders. Identifiers: MedGen CN239206.
Hereditary cancer-predisposing syndrome. Also called: Tumor predisposition; Neoplastic Syndromes, Hereditary; Hereditary Cancer Syndrome; Hereditary neoplastic syndrome. Identifiers: Orphanet 140162, MedGen C0027672, MeSH D009386, MONDO:0015356.
Fanconi anemia complementation group J. Also called: BRIP1-Related Fanconi Anemia. Identifiers: Orphanet 84, MedGen C1836860, MONDO:0012187, OMIM 609054.
Familial cancer of breast. Also called: hereditary breast carcinoma; BREAST CANCER, FAMILIAL; Hereditary breast cancer. Identifiers: Orphanet 227535, MedGen C0346153, MONDO:0016419, OMIM 114480. Disease mechanism: loss of function.
Ovarian cancer. Also called: OVARIAN CANCER, SOMATIC. Identifiers: Orphanet 213500, MedGen C1140680, MONDO:0008170, OMIM 167000.

Allele frequency attached by ClinVar (database versions not stated): ExAC 0.00006; gnomAD exomes 0.00006; gnomAD 0.00021; ESP Exome Variant Server 0.00023; TOPMed 0.00029; 1000 Genomes Project 0.00040; 1000 Genomes Project 30x 0.00047.
gnomAD v4.1: 83 of 1,613,632 alleles (0.0051%); highest among the groups gnomAD compares: African/African-American, 0.1%; no homozygotes.

Submissions (15):

Labcorp Genetics (formerly Invitae), Labcorp
Classification: Likely benign for Familial cancer of breast; Fanconi anemia complementation group J. Last evaluated: 2026-01-25. Review status: criteria provided, single submitter. Criteria: Invitae Variant Classification Sherloc (09022015). Collection method: clinical testing. Allele origin: germline.

CeGaT Center for Human Genetics Tuebingen
Classification: Likely benign. Last evaluated: 2025-11-01. Review status: criteria provided, single submitter. Criteria: CeGaT Center For Human Genetics Tuebingen Variant Classification Criteria Version 2. Collection method: clinical testing. Allele origin: germline. Affected: yes. Observed: 1 variant allele.
Comment: BRIP1: BP4, BP7

Institute for Biomarker Research, Medical Diagnostic Laboratories, L.L.C.
Classification: Benign for Hereditary cancer-predisposing syndrome. Last evaluated: 2025-04-18. Review status: criteria provided, single submitter. Criteria: ACMG Guidelines, 2015. Collection method: clinical testing. Allele origin: germline.
Comment: The synonymous variant NM_032043.3(BRIP1):c.852C>T (p.Val284=) has been reported to ClinVar as Benign/Likely benign with a status of (2 stars) criteria provided, multiple submitters, no conflicts (Variation ID 182359 as of 2025-04-03). The p.Val284= variant is not predicted to disrupt an existing splice site. The p.Val284= variant is predicted to introduce a novel splice site by 1 of 4 splice site algorithms. The p.Val284= variant results in a substitution of a base that is not predicted conserved by GERP++ and PhyloP. For these reasons, this variant has been classified as Benign.

Women's Health and Genetics/Laboratory Corporation of America, LabCorp
Classification: Likely benign. Last evaluated: 2024-11-04. Review status: criteria provided, single submitter. Criteria: LabCorp Variant Classification Summary - May 2015. Collection method: clinical testing. Allele origin: germline.

Blueprint Genetics
Classification: Likely benign. Last evaluated: 2023-12-13. Review status: criteria provided, single submitter. Criteria: ACMG Guidelines, 2015. Collection method: clinical testing. Allele origin: germline.

Myriad Genetics, Inc.
Classification: Benign for Familial cancer of breast. Last evaluated: 2023-02-28. Review status: criteria provided, single submitter. Criteria: Myriad Autosomal Dominant, Autosomal Recessive and X-Linked Classification Criteria (2023). Collection method: clinical testing. Allele origin: unknown.
Comment: This variant is considered benign. This variant is a silent/synonymous amino acid change and it is not expected to impact splicing.

Sema4
Classification: Likely benign for Hereditary cancer-predisposing syndrome. Last evaluated: 2021-09-16. Review status: criteria provided, single submitter. Criteria: Sema4 Curation Guidelines. Collection method: curation. Allele origin: germline.

Quest Diagnostics Nichols Institute San Juan Capistrano
Classification: Likely benign. Last evaluated: 2018-08-20. Review status: criteria provided, single submitter. Criteria: Quest Diagnostics criteria. Collection method: clinical testing. Allele origin: germline.

Color Diagnostics, LLC DBA Color Health
Classification: Likely benign for Hereditary cancer-predisposing syndrome. Last evaluated: 2016-04-22. Review status: criteria provided, single submitter. Criteria: ACMG Guidelines, 2015. Collection method: clinical testing. Allele origin: germline.

Ambry Genetics
Classification: Likely benign for Hereditary cancer-predisposing syndrome. Last evaluated: 2014-07-31. Review status: criteria provided, single submitter. Criteria: Ambry Variant Classification Scheme 2023. Collection method: clinical testing. Allele origin: germline.

GeneDx
Classification: Benign. Last evaluated: 2014-07-01. Review status: criteria provided, single submitter. Criteria: GeneDx Variant Classification (06012015). Collection method: clinical testing. Allele origin: germline. Affected: yes.
Comment: This variant is considered likely benign or benign based on one or more of the following criteria: it is a conservative change, it occurs at a poorly conserved position in the protein, it is predicted to be benign by multiple in silico algorithms, and/or has population frequency not consistent with disease.

Breakthrough Genomics
Classification: Likely benign. Review status: criteria provided, single submitter. Criteria: ACMG Guidelines, 2015. Collection method: not provided. Allele origin: germline. Inheritance: Autosomal dominant inheritance. Affected: yes.

PreventionGenetics, part of Exact Sciences
Classification: Likely benign for BRIP1-related condition. Last evaluated: 2019-06-14. Review status: no assertion criteria provided. Collection method: clinical testing. Allele origin: germline. Not counted in ClinVar's aggregate classification.
Comment: This variant is classified as likely benign based on ACMG/AMP sequence variant interpretation guidelines (Richards et al. 2015 PMID: 25741868, with internal and published modifications).

Counsyl
Classification: Likely benign for Fanconi anemia complementation group J. Last evaluated: 2016-08-29. Review status: no assertion criteria provided. Collection method: clinical testing. Allele origin: unknown. Not counted in ClinVar's aggregate classification.

Counsyl
Classification: Likely benign for Ovarian cancer. Last evaluated: 2016-08-29. Review status: no assertion criteria provided. Collection method: clinical testing. Allele origin: unknown. Not counted in ClinVar's aggregate classification.